The following is an entry in ClinVar:

ClinVar aggregate classification (germline): Likely pathogenic (1 of 4 stars; one submission).

Conditions:
Familial pulmonary capillary hemangiomatosis (PVOD2). Also called: Pulmonary venoocclusive disease 2; Pulmonary venoocclusive disease 2, autosomal recessive. Identifiers: Orphanet 199241, MedGen C0340848, MONDO:0009329, OMIM 234810.

Submission:

Organ Transplant Department, The First Affiliated Hospital of Guangzhou Medical University
Classification: Likely pathogenic for Familial pulmonary capillary hemangiomatosis. Last evaluated: 2025-12-21. Review status: criteria provided, single submitter. Criteria: ACMG Guidelines, 2015. Collection method: clinical testing. Allele origin: germline. Inheritance: Autosomal recessive inheritance. Affected: yes. Observed: 1 variant allele, 1 heterozygote.
Comment: Frameshift variant (p.Asp691GlufsTer6) causing premature stop codon. ACMG criteria applied: PVS1 (null variant in LOF disease mechanism) + PM2_Supporting (absent from gnomAD, 1000G, ESP6500). Novel variant, no prior ClinVar or literature reports.

NM_001013703.4(EIF2AK4):c.2073del (p.Asp691fs)

Gene: EIF2AK4 (eukaryotic translation initiation factor 2 alpha kinase 4; plus strand). Cytogenetic location: 15q15.1.
Variant type: Deletion.
Coding change: c.2073del on transcript NM_001013703.4 (MANE Select); coding-DNA position 2073, one base deleted (C; older notation c.2073delC).
Protein change: p.Asp691fs; shifts the reading frame from aspartic acid 691.
Molecular consequence: frameshift variant.
Genome position (GRCh38, 1-based): chr15:39,976,668, C deleted. VCF-style (leftmost placement, unchanged base first): chr15-39976667-AC-A. GRCh37 (hg19) VCF-style: chr15-40268868-AC-A.
Other names: short protein forms D691fs.
Identifiers: ClinVar variation 4849905 (VCV004849905.1).